The following is an entry in ClinVar:

NM_001613.4(ACTA2):c.403T>C (p.Tyr135His)

Gene: ACTA2 (actin alpha 2, smooth muscle; minus strand). Cytogenetic location: 10q23.31.
Variant type: single nucleotide variant.
Coding change: c.403T>C on transcript NM_001613.4 (MANE Select); coding-DNA position 403, T replaced by C.
Protein change: p.Tyr135His; replaces tyrosine 135 with histidine.
Molecular consequence: missense variant.
Genome position (GRCh38, 1-based): chr10:88,941,836, A>G on the plus strand (T>C on the coding strand, the complement: ACTA2 is on the minus strand). VCF-style: chr10-88941836-A-G. GRCh37 (hg19) VCF-style: chr10-90701593-A-G.
Other names: c.403T>C, p.Tyr135His (NM_001141945.3, NM_001320855.2, NM_001406462.1 and 3 more transcripts); c.292T>C, p.Tyr98His (NM_001406466.1); c.274T>C, p.Tyr92His (NM_001406467.1, NM_001406468.1, NM_001406469.1); short protein forms Y135H, Y98H, Y92H.
Identifiers: ClinVar variation 628908 (VCV000628908.22), dbSNP rs751300489, ClinGen allele CA028193.

ClinVar aggregate classification (germline): Conflicting classifications of pathogenicity. Review status: criteria provided, conflicting classifications (1 of 4 stars). 7 submissions from 7 submitters: Likely pathogenic (1); Uncertain significance (6). Last evaluated 2026-07-01.

Conditions:
Familial thoracic aortic aneurysm and aortic dissection (TAAD). Also called: Thoracic aortic aneurysms and dissections. Identifiers: Orphanet 91387, MedGen C4707243, MONDO:0019625.
Aortic aneurysm, familial thoracic 6 (AAT6). Also called: FAMILIAL THORACIC AORTIC ANEURYSM WITH LIVEDO RETICULARIS AND IRIS FLOCCULI. Identifiers: MedGen C2673186, MONDO:0012730, OMIM 611788.

Allele frequency attached by ClinVar (database versions not stated): gnomAD exomes 0.00001 and 0.00002; TOPMed 0.00001; ExAC 0.00002; gnomAD 0.00003.
gnomAD v4.1: 26 of 1,613,134 alleles (0.0016%); highest among the groups gnomAD compares: Middle Eastern, 0.033%; no homozygotes.

Submissions (7):

CeGaT Center for Human Genetics Tuebingen
Classification: Uncertain significance. Last evaluated: 2026-07-01. Review status: criteria provided, single submitter. Criteria: CeGaT Center For Human Genetics Tuebingen Variant Classification Criteria Version 2. Collection method: clinical testing. Allele origin: germline. Affected: yes. Observed: 1 variant allele.
Comment: ACTA2: PP2, PP3

Labcorp Genetics (formerly Invitae), Labcorp
Classification: Uncertain significance for Aortic aneurysm, familial thoracic 6. Last evaluated: 2026-01-12. Review status: criteria provided, single submitter. Criteria: Invitae Variant Classification Sherloc (09022015). Collection method: clinical testing. Allele origin: germline.
Comment: This sequence change replaces tyrosine, which is neutral and polar, with histidine, which is basic and polar, at codon 135 of the ACTA2 protein (p.Tyr135His). This variant is present in population databases (rs751300489, gnomAD 0.003%). This missense change has been observed in individuals with thoracic aortic aneurysms or dissections (PMID: 17994018, 25759435, 32544455). ClinVar contains an entry for this variant (Variation ID: 628908). Invitae Evidence Modeling of protein sequence and biophysical properties (such as structural, functional, and spatial information, amino acid conservation, physicochemical variation, residue mobility, and thermodynamic stability) indicates that this missense variant is not expected to disrupt ACTA2 protein function with a negative predictive value of 80%. This variant disrupts the p.Tyr135 amino acid residue in ACTA2. Other variant(s) that disrupt this residue have been observed in individuals with ACTA2-related conditions (internal data), which suggests that this may be a clinically significant amino acid residue. In summary, the available evidence is currently insufficient to determine the role of this variant in disease. Therefore, it has been classified as a Variant of Uncertain Significance.

Ambry Genetics
Classification: Uncertain significance for Familial thoracic aortic aneurysm and aortic dissection. Last evaluated: 2025-03-24. Review status: criteria provided, single submitter. Criteria: Ambry Variant Classification Scheme 2023. Collection method: clinical testing. Allele origin: germline.
Comment: The p.Y135H variant (also known as c.403T>C), located in coding exon 4 of the ACTA2 gene, results from a T to C substitution at nucleotide position 403. The tyrosine at codon 135 is replaced by histidine, an amino acid with similar properties. This variant has been detected in a proband with type A aortic dissection, and in the proband's two siblings with normal aortas, one of whom had livedo reticularis (Guo DC et al. Nat Genet. 2007;39:1488-93). This variant was also detected in an individual with bicuspid aortic valve and aortic dissection following blunt trauma (Disha K et al. Ann Thorac Surg. 2021 Jan;111(1):e5-e6). This variant co-occurred with a mutation in the HCN4 gene in a case with left ventricular noncompaction, bradycardia, and aortic dilation; this variant was absent in a similarly affected sibling who had the same HCN4 mutation (Hanania HL et al. Circ Genom Precis Med. 2019 12;12(12):e002626). This variant has also been detected in an individual from a sudden infant death cohort; however, clinical details were limited (Neubauer J et al. Eur J Hum Genet. 2017;25:404-409). This amino acid position is highly conserved in available vertebrate species. In addition, this alteration is predicted to be deleterious by in silico analysis. Since supporting evidence is limited at this time, the clinical significance of this alteration remains unclear.

Centre of Medical Genetics, University of Antwerp
Classification: Likely pathogenic for Familial thoracic aortic aneurysm and aortic dissection. Last evaluated: 2024-09-06. Review status: criteria provided, single submitter. Criteria: ACMG Guidelines, 2015. Collection method: clinical testing. Allele origin: germline. Affected: yes.
Comment: LP(PM2; PP2-3)

All of Us Research Program, National Institutes of Health
Classification: Uncertain significance for Familial thoracic aortic aneurysm and aortic dissection. Last evaluated: 2024-02-05. Review status: criteria provided, single submitter. Criteria: ACMG Guidelines, 2015. Collection method: clinical testing. Allele origin: germline. Inheritance: Autosomal dominant inheritance. Observed: 6 variant alleles, 6 heterozygotes.
Comment: This missense variant replaces tyrosine with histidine at codon 135 of the ACTA2 protein. Computational prediction suggests that this variant may have deleterious impact on protein structure and function (internally defined REVEL score threshold >= 0.7, PMID: 27666373). To our knowledge, functional studies have not been reported for this variant. This variant has been reported in two small families affected with thoracic aortic aneurysm and dissection (PMID: 17994018, 19409525, 25759435). Data from these families is not sufficient to assess whether the variant segregates with disease. This variant has been reported in an individual affected with bicuspid aortic valve and blunt traumatic acute aortic dissection and in an unaffected family member (PMID: 32544455). This variant has also been reported in an individual affected with thoracic aortic dilation, bradycardia, and left ventricular noncompaction cardiomyopathy (PMID: 31731876), who carried a pathogenic variant in the HCN4 gene that could explain the observed phenotype in this family. This variant has been identified in 5/249184 chromosomes in the general population by the Genome Aggregation Database (gnomAD). The available evidence is insufficient to determine the role of this variant in disease conclusively. Therefore, this variant is classified as a Variant of Uncertain Significance.

This study involves interpretation of variants in research participants for the purpose of population health screening. Participant phenotype was not available at the time of variant classification. Additional details can be found in publication PMID: 35346344, PMCID: PMC8962531

Color Diagnostics, LLC DBA Color Health
Classification: Uncertain significance for Familial thoracic aortic aneurysm and aortic dissection. Last evaluated: 2023-11-16. Review status: criteria provided, single submitter. Criteria: ACMG Guidelines, 2015. Collection method: clinical testing. Allele origin: germline.
Comment: This missense variant replaces tyrosine with histidine at codon 135 of the ACTA2 protein. Computational prediction tools indicate that this variant has a deleterious impact on protein structure and function. To our knowledge, functional studies have not been reported for this variant. This variant has been reported in two small families affected with thoracic aortic aneurysm and dissection (PMID: 17994018, 19409525, 25759435). Data from these families is not sufficient to assess whether the variant segregates with disease. This variant has been reported in one individual affected with bicuspid aortic valve and blunt traumatic acute aortic dissection and in an unaffected family member (PMID: 32544455). This variant has also been reported in one individual affected with thoracic aortic dilation, bradycardia, and left ventricular noncompaction cardiomyopathy (PMID: 31731876), who carried a pathogenic variant in the HCN4 gene that could explain the observed phenotype in this family. This variant has been identified in 5/249184 chromosomes in the general population by the Genome Aggregation Database (gnomAD). The available evidence is insufficient to determine the role of this variant in disease conclusively. Therefore, this variant is classified as a Variant of Uncertain Significance.

AiLife Diagnostics
Classification: Uncertain significance. Last evaluated: 2021-10-04. Review status: criteria provided, single submitter. Criteria: ACMG Guidelines, 2015. Collection method: clinical testing. Allele origin: germline. Affected: yes. Observed: 1 variant allele.

Literature cited by the submitters: PubMed 17994018 (cited by 5 submitters); PubMed 25759435 (cited by 3 submitters); PubMed 32544455 (cited by 4 submitters); PubMed 19409525 (cited by 3 submitters); PubMed 28074886 (cited by Ambry Genetics and AiLife Diagnostics); PubMed 31731876 (cited by All of Us Research Program, National Institutes of Health and Color Diagnostics, LLC DBA Color Health).